The following is an entry in ClinVar:

ClinVar aggregate classification (germline): Pathogenic. Review status: criteria provided, multiple submitters, no conflicts (2 of 4 stars). 6 submissions from 6 submitters: Pathogenic (6). Last evaluated 2026-10-23.

Conditions:
Hereditary cancer-predisposing syndrome. Also called: Neoplastic Syndromes, Hereditary; Hereditary Cancer Syndrome; Tumor predisposition; Hereditary neoplastic syndrome. Identifiers: Orphanet 140162, MedGen C0027672, MeSH D009386, MONDO:0015356.
Familial cancer of breast. Also called: BREAST CANCER, FAMILIAL; hereditary breast carcinoma; Hereditary breast cancer. Identifiers: Orphanet 227535, MedGen C0346153, MONDO:0016419, OMIM 114480. Disease mechanism: loss of function.
Inherited breast cancer and ovarian cancer.
Ataxia-telangiectasia syndrome (AT). Also called: LOUIS-BAR SYNDROME; AT, COMPLEMENTATION GROUP C; Cerebello-oculocutaneous telangiectasia; Immunodeficiency with ataxia telangiectasia; Ataxia-telangiectasia, complementation group E; Ataxia-telangiectasia, complementation group D. Identifiers: Orphanet 100, MedGen C0004135, MONDO:0008840, OMIM 208900.

Submissions (6):

Cambridge Genomics Laboratory, East Genomic Laboratory Hub, NHS Genomic Medicine Service
Classification: Pathogenic for Inherited breast cancer and ovarian cancer. Last evaluated: 2026-10-23. Review status: criteria provided, single submitter. Criteria: ACGS Best Practice Guidelines for Variant Classification in Rare Disease 2020. Collection method: clinical testing. Allele origin: germline. Affected: yes.
Comment: PVS1,PM2_Supporting,PM5_Supporting

Labcorp Genetics (formerly Invitae), Labcorp
Classification: Pathogenic for Ataxia-telangiectasia syndrome. Last evaluated: 2025-03-17. Review status: criteria provided, single submitter. Criteria: Invitae Variant Classification Sherloc (09022015). Collection method: clinical testing. Allele origin: germline.
Comment: This sequence change creates a premature translational stop signal (p.Ser1092*) in the ATM gene. It is expected to result in an absent or disrupted protein product. Loss-of-function variants in ATM are known to be pathogenic (PMID: 23807571, 25614872). This variant is not present in population databases (gnomAD no frequency). This premature translational stop signal has been observed in individual(s) with ataxia-telangiectasia or breast cancer (PMID: 15390180, 28423363). ClinVar contains an entry for this variant (Variation ID: 640290). For these reasons, this variant has been classified as Pathogenic.

Quest Diagnostics Nichols Institute San Juan Capistrano
Classification: Pathogenic. Last evaluated: 2024-12-26. Review status: criteria provided, single submitter. Criteria: Quest Diagnostics criteria. Collection method: clinical testing. Allele origin: unknown.
Comment: The ATM c.3275C>A (p.Ser1092*) variant causes the premature termination of ATM protein synthesis. This variant has been reported in the published literature in individuals with breast cancer (PMID: 28423363 (2017)) and melanoma (PMID: 32325837 (2020), 34262154 (2021)). This variant has also been identified in an individual with ataxia-telangiectasia (PMID: 15390180 (2005)). This variant has not been reported in large, multi-ethnic general populations (Genome Aggregation Database). Based on the available information, this variant is classified as pathogenic.

Myriad Genetics, Inc.
Classification: Pathogenic for Familial cancer of breast. Last evaluated: 2024-01-19. Review status: criteria provided, single submitter. Criteria: Myriad Autosomal Dominant, Autosomal Recessive and X-Linked Classification Criteria (2023). Collection method: clinical testing. Allele origin: unknown.
Comment: This variant is considered pathogenic. This variant creates a termination codon and is predicted to result in premature protein truncation.

Women's Health and Genetics/Laboratory Corporation of America, LabCorp
Classification: Pathogenic for Ataxia-telangiectasia syndrome. Last evaluated: 2021-10-24. Review status: criteria provided, single submitter. Criteria: LabCorp Variant Classification Summary - May 2015. Collection method: clinical testing. Allele origin: germline.
Comment: Variant summary: ATM c.3275C>A (p.Ser1092X) results in a premature termination codon, predicted to cause a truncation of the encoded protein or absence of the protein due to nonsense mediated decay, which are commonly known mechanisms for disease. Truncations downstream of this position have been classified as pathogenic by our laboratory. The variant was absent in 251102 control chromosomes. c.3275C>A has been reported in the literature in individuals affected with Ataxia-Telangiectasia and among women with hereditary breast/ovarian cancer (example, Cavaciuti_2005, Meneret_2014, Tedaldi_2017). To our knowledge, no experimental evidence demonstrating an impact on protein function has been reported. Two clinical diagnostic laboratories have submitted clinical-significance assessments for this variant to ClinVar after 2014 without evidence for independent evaluation. All laboratories classified the variant as pathogenic. Based on the evidence outlined above, the variant was classified as pathogenic.

Color Diagnostics, LLC DBA Color Health
Classification: Pathogenic for Hereditary cancer-predisposing syndrome. Last evaluated: 2019-07-08. Review status: criteria provided, single submitter. Criteria: ACMG Guidelines, 2015. Collection method: clinical testing. Allele origin: germline.
Comment: This variant changes 1 nucleotide in exon 22 of the ATM gene, creating a premature translation stop signal. This variant is expected to result in an absent or non-functional protein product. Splice site prediction tools suggest that this variant may not impact RNA splicing. To our knowledge, functional studies have not been performed for this variant. This variant has not been reported in individuals affected with hereditary cancer in the literature. This variant has not been identified in the general population by the Genome Aggregation Database (gnomAD). Loss of ATM function is a known mechanism of disease. Based on the available evidence, this variant is classified as Pathogenic.

Literature cited by the submitters: PubMed 23807571 (cited by Labcorp Genetics (formerly Invitae), Labcorp); PubMed 25614872 (cited by Labcorp Genetics (formerly Invitae), Labcorp); PubMed 15390180 (cited by Labcorp Genetics (formerly Invitae), Labcorp and Women's Health and Genetics/Laboratory Corporation of America, LabCorp); PubMed 28423363 (cited by Labcorp Genetics (formerly Invitae), Labcorp and Women's Health and Genetics/Laboratory Corporation of America, LabCorp); PubMed 25122203 (cited by Women's Health and Genetics/Laboratory Corporation of America, LabCorp).

NM_000051.4(ATM):c.3275C>A (p.Ser1092Ter)

Gene: ATM (ATM serine/threonine kinase; plus strand). Cytogenetic location: 11q22.3.
Variant type: single nucleotide variant.
Coding change: c.3275C>A on transcript NM_000051.4 (MANE Select); coding-DNA position 3275, C replaced by A.
Protein change: p.Ser1092Ter; replaces serine 1092 with a stop codon.
Molecular consequence: nonsense.
Genome position (GRCh38, 1-based): chr11:108,272,843, C>A. VCF-style: chr11-108272843-C-A. GRCh37 (hg19) VCF-style: chr11-108143570-C-A.
Other names: c.3275C>A, p.Ser1092Ter (NM_001351834.2); short protein forms S1092*.
Identifiers: ClinVar variation 640290 (VCV000640290.17), dbSNP rs774197372, ClinGen allele CA382516223.